The following is an entry in ClinVar:

NM_182914.3(SYNE2):c.1678T>C (p.Tyr560His)

Gene: SYNE2 (spectrin repeat containing nuclear envelope protein 2; plus strand). Cytogenetic location: 14q23.2.
Variant type: single nucleotide variant.
Coding change: c.1678T>C on transcript NM_182914.3 (MANE Select); coding-DNA position 1678, T replaced by C.
Protein change: p.Tyr560His; replaces tyrosine 560 with histidine.
Molecular consequence: missense variant.
Genome position (GRCh38, 1-based): chr14:63,981,015, T>C. VCF-style: chr14-63981015-T-C. GRCh37 (hg19) VCF-style: chr14-64447733-T-C.
Other names: c.1678T>C, p.Tyr560His (NM_015180.6); short protein forms Y560H.
Identifiers: ClinVar variation 2283827 (VCV002283827.3), dbSNP rs760121337, ClinGen allele CA7219499.
Genomic context (GRCh38, chr14:63,981,015, plus strand): 5'-AGATTACTTTTTTGTTTTGTTAATATTGTAGCTGGAGAATGTCAGAATATTAATAAACAG[T>C]ATATGATGGTGAAATCTGATGTTTGTATGTATAGAAAAAATATATATAATGTGAAGTCCA-3'
Protein context (NP_878918.2, residues 550-570): AGECQNINKQ[Tyr560His]MMVKSDVCMY

ClinVar aggregate classification (germline): Uncertain significance. Review status: criteria provided, multiple submitters, no conflicts (2 of 4 stars). 2 submissions from 2 submitters: Uncertain significance (2). Last evaluated 2025-03-23.

Conditions:
Emery-Dreifuss muscular dystrophy 5, autosomal dominant (EDMD5). Also called: EMERY-DREIFUSS MUSCULAR DYSTROPHY 5. Identifiers: Orphanet 261, MedGen C2751805, MONDO:0013072, OMIM 612999.

Allele frequency attached by ClinVar (database versions not stated): gnomAD 0.00001; ExAC 0.00003; gnomAD exomes 0.00003.
gnomAD v4.1: 38 of 1,568,260 alleles (0.0024%); highest among the groups gnomAD compares: Admixed American, 0.0033%; no homozygotes.

Submissions (2):

Labcorp Genetics (formerly Invitae), Labcorp
Classification: Uncertain significance for Emery-Dreifuss muscular dystrophy 5, autosomal dominant. Last evaluated: 2025-03-23. Review status: criteria provided, single submitter. Criteria: Invitae Variant Classification Sherloc (09022015). Collection method: clinical testing. Allele origin: germline.
Comment: This sequence change replaces tyrosine, which is neutral and polar, with histidine, which is basic and polar, at codon 560 of the SYNE2 protein (p.Tyr560His). This variant is present in population databases (rs760121337, gnomAD 0.005%). This variant has not been reported in the literature in individuals affected with SYNE2-related conditions. ClinVar contains an entry for this variant (Variation ID: 2283827). An algorithm developed to predict the effect of missense changes on protein structure and function (PolyPhen-2) suggests that this variant is likely to be disruptive. In summary, the available evidence is currently insufficient to determine the role of this variant in disease. Therefore, it has been classified as a Variant of Uncertain Significance.

Ambry Genetics
Classification: Uncertain significance. Last evaluated: 2022-05-27. Review status: criteria provided, single submitter. Criteria: Ambry Variant Classification Scheme 2023. Collection method: clinical testing. Allele origin: germline.